The following is an entry in ClinVar:

ClinVar aggregate classification (germline): Pathogenic (1 of 4 stars; one submission).

Submission:

Labcorp Genetics (formerly Invitae), Labcorp
Classification: Pathogenic. Last evaluated: 2025-12-30. Review status: criteria provided, single submitter. Criteria: Invitae Variant Classification Sherloc (09022015). Collection method: clinical testing. Allele origin: germline.
Comment: This sequence change creates a premature translational stop signal (p.Lys252Asnfs*32) in the RGS9 gene. It is expected to result in an absent or disrupted protein product. Loss-of-function variants in RGS9 are known to be pathogenic (PMID: 11262419, 14702087). This variant is present in population databases (no rsID available, gnomAD 0.01%). This variant has not been reported in the literature in individuals affected with RGS9-related conditions. For these reasons, this variant has been classified as Pathogenic.

Literature cited by the submitters: PubMed 11262419; PubMed 14702087.

NM_003835.4(RGS9):c.756del (p.Lys252fs)

Gene: RGS9 (regulator of G protein signaling 9; plus strand). Cytogenetic location: 17q24.1.
Variant type: Deletion.
Coding change: c.756del on transcript NM_003835.4 (MANE Select); coding-DNA position 756, one base deleted (A; older notation c.756delA).
Protein change: p.Lys252fs; shifts the reading frame from lysine 252.
Molecular consequence: frameshift variant.
Genome position (GRCh38, 1-based): chr17:65,193,552, A deleted; the last of 3 consecutive A bases (chr17:65,193,550-65,193,552); deleting any one gives the same sequence. VCF-style (leftmost placement, unchanged base first): chr17-65193549-GA-G. GRCh37 (hg19) VCF-style: chr17-63189667-GA-G.
Other names: c.747del, p.Lys249fs (NM_001081955.3, NM_001165933.2); short protein forms K249fs, K252fs.
Identifiers: ClinVar variation 4806093 (VCV004806093.1).